The following is an entry in ClinVar:

ClinVar aggregate classification (germline): Pathogenic. Review status: criteria provided, single submitter (1 of 4 stars). 2 submissions from 2 submitters: Pathogenic (1). 1 of the submissions does not count toward it. Last evaluated 2022-10-28.

Conditions:
Retinal dystrophy. Also called: Inherited retinal dystrophy. Identifiers: Orphanet 71862, MedGen C0854723, MeSH D058499, MONDO:0019118, HP:0000556.

Submissions (2):

Labcorp Genetics (formerly Invitae), Labcorp
Classification: Pathogenic. Last evaluated: 2022-10-28. Review status: criteria provided, single submitter. Criteria: Invitae Variant Classification Sherloc (09022015). Collection method: clinical testing. Allele origin: germline.
Comment: For these reasons, this variant has been classified as Pathogenic. ClinVar contains an entry for this variant (Variation ID: 941331). This premature translational stop signal has been observed in individual(s) with Usher syndrome (PMID: 24944099). This variant is not present in population databases (gnomAD no frequency). This sequence change creates a premature translational stop signal (p.Ser1247Lysfs*4) in the USH2A gene. It is expected to result in an absent or disrupted protein product. Loss-of-function variants in USH2A are known to be pathogenic (PMID: 10729113, 10909849, 20507924, 25649381).

Institute of Human Genetics, Univ. Regensburg, Univ. Regensburg
Classification: Pathogenic for Retinal dystrophy. Last evaluated: 2020-01-01. Review status: no assertion criteria provided. Criteria: ACMG Guidelines, 2015. Collection method: clinical testing. Allele origin: germline. Affected: yes. Not counted in ClinVar's aggregate classification.

Literature cited by the submitters: PubMed 24944099 (cited by Labcorp Genetics (formerly Invitae), Labcorp); PubMed 10729113 (cited by Labcorp Genetics (formerly Invitae), Labcorp); PubMed 10909849 (cited by Labcorp Genetics (formerly Invitae), Labcorp); PubMed 20507924 (cited by Labcorp Genetics (formerly Invitae), Labcorp); PubMed 25649381 (cited by Labcorp Genetics (formerly Invitae), Labcorp).

NM_206933.4(USH2A):c.3737dup (p.Ser1247fs)

Genes: USH2A (usherin; minus strand), USH2A-AS1 (USH2A antisense RNA 1; plus strand). Cytogenetic location: 1q41.
Variant type: Duplication.
Coding change: c.3737dup on transcript NM_206933.4 (MANE Select); coding-DNA position 3737, one base duplicated (T; older notation c.3737dupT).
Protein change: p.Ser1247fs; shifts the reading frame from serine 1247.
Molecular consequence: frameshift variant.
Genome position (GRCh38, 1-based): chr1:216,199,701, A duplicated on the plus strand (T on the coding strand, the reverse complement: USH2A is on the minus strand). VCF-style (leftmost placement, unchanged base first): chr1-216199700-T-TA. GRCh37 (hg19) VCF-style: chr1-216373042-T-TA.
Other names: c.3737dup, p.Ser1247fs (NM_007123.6); short protein forms S1247fs.
Identifiers: ClinVar variation 941331 (VCV000941331.8), dbSNP rs2034937352, ClinGen allele CA1139656568.
Genomic context (GRCh38, chr1:216,199,700, plus strand): 5'-TGGTGGAGACCATTCTACATGAAGTTCTGTAGAACTGATTTTCTGCATCTTAGGTGGACT[T>TA]AGTCTTTGGGGAGGGGCCTGGGCTGTGGTCACTGTAATGGGCAAGCTGTGTAAACAGCCC-3'